The following is an entry in ClinVar:

ClinVar aggregate classification (germline): Uncertain significance (1 of 4 stars; one submission).

Submission:

CeGaT Center for Human Genetics Tuebingen
Classification: Uncertain significance. Last evaluated: 2024-01-01. Review status: criteria provided, single submitter. Criteria: CeGaT Center For Human Genetics Tuebingen Variant Classification Criteria Version 2. Collection method: clinical testing. Allele origin: germline. Affected: yes. Observed: 1 variant allele.
Comment: ZFHX4: PM2

NM_024721.5(ZFHX4):c.6491A>G (p.Glu2164Gly)

Gene: ZFHX4 (zinc finger homeobox 4; plus strand). Cytogenetic location: 8q21.13.
Variant type: single nucleotide variant.
Coding change: c.6491A>G on transcript NM_024721.5 (MANE Select); coding-DNA position 6491, A replaced by G.
Protein change: p.Glu2164Gly; replaces glutamic acid 2164 with glycine.
Molecular consequence: missense variant.
Genome position (GRCh38, 1-based): chr8:76,853,412, A>G. VCF-style: chr8-76853412-A-G. GRCh37 (hg19) VCF-style: chr8-77765648-A-G.
Other names: c.6413A>G, p.Glu2138Gly (NM_001410934.1); short protein forms E2138G, E2164G.
Identifiers: ClinVar variation 3026957 (VCV003026957.22), dbSNP rs2536398864, ClinGen allele CA371513530.
Genomic context (GRCh38, chr8:76,853,412, plus strand): 5'-TGAGGGCTTATTTTGACATTAATAATTCTCCAAGTGAAGAACAGATCCAGGAAATGGCAG[A>G]GAAATCTGGCCTCTCCCAAAAAGTTATCAAACACTGGTTTAGAAATACGCTTTTTAAGGA-3'
Protein context (NP_078997.4, residues 2154-2174): PSEEQIQEMA[Glu2164Gly]KSGLSQKVIK